The following is an entry in ClinVar:

ClinVar aggregate classification (germline): Uncertain significance. Review status: criteria provided, multiple submitters, no conflicts (2 of 4 stars). 5 submissions from 5 submitters: Uncertain significance (4). 1 of the submissions does not count toward it. Last evaluated 2025-11-05.

Conditions:
ITPR1-related disorder. Also called: ITPR1-related condition.
Inborn genetic diseases. Identifiers: MedGen C0950123, MeSH D030342.

Allele frequency attached by ClinVar (database versions not stated): gnomAD 0.00004; TOPMed 0.00006; ESP Exome Variant Server 0.00017.
gnomAD v4.1: 272 of 1,603,712 alleles (0.017%); highest among the groups gnomAD compares: Non-Finnish European, 0.022%; no homozygotes.

Submissions (5):

Athena Diagnostics
Classification: Uncertain significance. Last evaluated: 2025-11-05. Review status: criteria provided, single submitter. Criteria: Athena Diagnostics Criteria. Collection method: clinical testing. Allele origin: unknown.
Comment: Available data are insufficient to determine the clinical significance of the variant at this time. The frequency of this variant in the general population is higher than would generally be expected for pathogenic variants in this gene. Computational tools yielded predictions that this variant may interfere with normal RNA splicing.

Ambry Genetics
Classification: Uncertain significance for Inborn genetic diseases. Last evaluated: 2023-03-03. Review status: criteria provided, single submitter. Criteria: Ambry Variant Classification Scheme 2023. Collection method: clinical testing. Allele origin: germline.
Comment: Unlikely to be causative of ITPR1-related congenital non-progressive spinocerebellar ataxia (AD), ITPR1-related spinocerebellar ataxia (AD), and Gillespie syndrome (AD) Based on insufficient or conflicting evidence, the clinical significance of this alteration remains unclear.

Labcorp Genetics (formerly Invitae), Labcorp
Classification: Uncertain significance. Last evaluated: 2021-12-22. Review status: criteria provided, single submitter. Criteria: Invitae Variant Classification Sherloc (09022015). Collection method: clinical testing. Allele origin: germline.
Comment: This sequence change falls in intron 28 of the ITPR1 gene. It does not directly change the encoded amino acid sequence of the ITPR1 protein. It affects a nucleotide within the consensus splice site. This variant is present in population databases (rs371420259, gnomAD 0.02%). This variant has not been reported in the literature in individuals affected with ITPR1-related conditions. ClinVar contains an entry for this variant (Variation ID: 1190697). Variants that disrupt the consensus splice site are a relatively common cause of aberrant splicing (PMID: 17576681, 9536098). Algorithms developed to predict the effect of sequence changes on RNA splicing suggest that this variant may disrupt the consensus splice site. In summary, the available evidence is currently insufficient to determine the role of this variant in disease. Therefore, it has been classified as a Variant of Uncertain Significance.

GeneDx
Classification: Uncertain significance. Last evaluated: 2020-10-26. Review status: criteria provided, single submitter. Criteria: GeneDx Variant Classification Process June 2021. Collection method: clinical testing. Allele origin: germline. Affected: yes.
Comment: Has not been previously published as pathogenic or benign to our knowledge; In-silico analysis is inconclusive as to whether the variant alters gene splicing. In the absence of RNA/functional studies, the actual effect of this sequence change is unknown.

PreventionGenetics, part of Exact Sciences
Classification: Likely benign for ITPR1-related condition. Last evaluated: 2024-02-26. Review status: no assertion criteria provided. Collection method: clinical testing. Allele origin: germline. Not counted in ClinVar's aggregate classification.
Comment: This variant is classified as likely benign based on ACMG/AMP sequence variant interpretation guidelines (Richards et al. 2015 PMID: 25741868, with internal and published modifications).

Literature cited by the submitters: PubMed 17576681 (cited by Labcorp Genetics (formerly Invitae), Labcorp); PubMed 9536098 (cited by Labcorp Genetics (formerly Invitae), Labcorp).

NM_001378452.1(ITPR1):c.3564+5G>T

Gene: ITPR1 (inositol 1,4,5-trisphosphate receptor type 1; plus strand). Cytogenetic location: 3p26.1.
Variant type: single nucleotide variant.
Coding change: c.3564+5G>T on transcript NM_001378452.1 (MANE Select); 5 bases into the intron after coding-DNA position 3564, G replaced by T.
Molecular consequence: intron variant.
Genome position (GRCh38, 1-based): chr3:4,684,351, G>T. VCF-style: chr3-4684351-G-T. GRCh37 (hg19) VCF-style: chr3-4726035-G-T.
Other names: c.3537+5G>T (NM_001099952.4); c.3519+5G>T (NM_001168272.2); c.3492+5G>T (NM_002222.7, NM_002222.5).
Identifiers: ClinVar variation 1190697 (VCV001190697.9), dbSNP rs371420259, ClinGen allele CA2231724.